The following is an entry in ClinVar:

NM_001363711.2(DUOX2):c.3516-1G>A

Gene: DUOX2 (dual oxidase 2; minus strand). Cytogenetic location: 15q21.1.
Variant type: single nucleotide variant.
Coding change: c.3516-1G>A on transcript NM_001363711.2 (MANE Select); the canonical splice acceptor site of the intron before coding-DNA position 3516, G replaced by A.
Molecular consequence: splice acceptor variant.
Genome position (GRCh38, 1-based): chr15:45,098,059, C>T on the plus strand (G>A on the coding strand, the complement: DUOX2 is on the minus strand). VCF-style: chr15-45098059-C-T. GRCh37 (hg19) VCF-style: chr15-45390257-C-T.
Other names: c.3516-1G>A (NM_014080.5).
Identifiers: ClinVar variation 3764690 (VCV003764690.3).

ClinVar aggregate classification (germline): Pathogenic (1 of 4 stars; one submission).

Conditions:
Thyroid dyshormonogenesis 6 (TDH6). Also called: Genetic transient congenital hypothyroidism; HYPOTHYROIDISM, CONGENITAL, DUE TO DYSHORMONOGENESIS, 6; THYROID HORMONOGENESIS, GENETIC DEFECT IN, 6. Identifiers: Orphanet 226316, Orphanet 95716, MedGen C1846632, MONDO:0011792, OMIM 607200.

Submission:

Juno Genomics, Hangzhou Juno Genomics, Inc
Classification: Pathogenic for Thyroid dyshormonogenesis 6. Review status: criteria provided, single submitter. Criteria: ACMG Guidelines, 2015. Collection method: clinical testing. Allele origin: germline. Affected: yes.
Comment: Absent from controls (or at extremely low frequency if recessive) in Genome Aggregation Database.;Null variant in a gene where loss of function (LOF) is a known mechanism of disease.;For recessive disorders, detected in trans with a pathogenic variant.